The following is an entry in ClinVar:

ClinVar aggregate classification (germline): Uncertain significance. Review status: criteria provided, multiple submitters, no conflicts (2 of 4 stars). 3 submissions from 3 submitters: Uncertain significance (3). Last evaluated 2023-07-18.

Conditions:
Hereditary nonpolyposis colorectal neoplasms. Identifiers: MedGen C0009405, MeSH D003123.
Hereditary cancer-predisposing syndrome. Also called: Hereditary Cancer Syndrome; Tumor predisposition; Hereditary neoplastic syndrome; Neoplastic Syndromes, Hereditary. Identifiers: Orphanet 140162, MedGen C0027672, MeSH D009386, MONDO:0015356.

Allele frequency attached by ClinVar (database versions not stated): gnomAD exomes below 0.00001.

Submissions (3):

Color Diagnostics, LLC DBA Color Health
Classification: Uncertain significance for Hereditary cancer-predisposing syndrome. Last evaluated: 2023-07-18. Review status: criteria provided, single submitter. Criteria: ACMG Guidelines, 2015. Collection method: clinical testing. Allele origin: germline.
Comment: This missense variant replaces glycine with arginine at codon 62 of the PMS2 protein. Computational prediction suggests that this variant may have deleterious impact on protein structure and function (internally defined REVEL score threshold >= 0.7, PMID: 27666373). To our knowledge, functional studies have not been reported for this variant. This variant has not been reported in individuals affected with PMS2-related disorders in the literature. This variant has been identified in 1/250476 chromosomes in the general population by the Genome Aggregation Database (gnomAD). The available evidence is insufficient to determine the role of this variant in disease conclusively. Therefore, this variant is classified as a Variant of Uncertain Significance.

Ambry Genetics
Classification: Uncertain significance for Hereditary cancer-predisposing syndrome. Last evaluated: 2019-08-05. Review status: criteria provided, single submitter. Criteria: Ambry Variant Classification Scheme 2023. Collection method: clinical testing. Allele origin: germline.
Comment: The p.G62R variant (also known as c.184G>A), located in coding exon 3 of the PMS2 gene, results from a G to A substitution at nucleotide position 184. The glycine at codon 62 is replaced by arginine, an amino acid with dissimilar properties. This amino acid position is highly conserved in available vertebrate species. In addition, this alteration is predicted to be inconclusive by in silico analyses. Since supporting evidence is limited at this time, the clinical significance of this alteration remains unclear.

Labcorp Genetics (formerly Invitae), Labcorp
Classification: Uncertain significance for Hereditary nonpolyposis colorectal neoplasms. Last evaluated: 2018-11-30. Review status: criteria provided, single submitter. Criteria: Invitae Variant Classification Sherloc (09022015). Collection method: clinical testing. Allele origin: germline.
Comment: In summary, the available evidence is currently insufficient to determine the role of this variant in disease. Therefore, it has been classified as a Variant of Uncertain Significance. Algorithms developed to predict the effect of missense changes on protein structure and function (SIFT, PolyPhen-2, Align-GVGD) all suggest that this variant is likely to be disruptive, but these predictions have not been confirmed by published functional studies and their clinical significance is uncertain. This variant has not been reported in the literature in individuals with PMS2-related disease. This variant is not present in population databases (ExAC no frequency). This sequence change replaces glycine with arginine at codon 62 of the PMS2 protein (p.Gly62Arg). The glycine residue is highly conserved and there is a moderate physicochemical difference between glycine and arginine.

NM_000535.7(PMS2):c.184G>A (p.Gly62Arg)

Gene: PMS2 (PMS1 homolog 2, mismatch repair system component; minus strand). Cytogenetic location: 7p22.1.
Variant type: single nucleotide variant.
Coding change: c.184G>A on transcript NM_000535.7 (MANE Select); coding-DNA position 184, G replaced by A.
Protein change: p.Gly62Arg; replaces glycine 62 with arginine.
Molecular consequence: missense variant. On other transcripts: 5 prime UTR variant (11), non-coding transcript variant (1).
Genome position (GRCh38, 1-based): chr7:6,004,038, C>T on the plus strand (G>A on the coding strand, the complement: PMS2 is on the minus strand). VCF-style: chr7-6004038-C-T. GRCh37 (hg19) VCF-style: chr7-6043669-C-T.
Other names: c.-222G>A (NM_001322010.2, NM_001322013.2, NM_001322003.2 and 3 more transcripts); c.-701G>A (NM_001322011.2, NM_001322012.2); c.184G>A, p.Gly62Arg (NM_001322014.2, NM_001322006.2); c.-301G>A (NM_001322015.2); c.-32G>A (NM_001322007.2, NM_001322008.2); short protein forms G62R.
Identifiers: ClinVar variation 646891 (VCV000646891.12), dbSNP rs1182171111, ClinGen allele CA366744896.